The following is an entry in ClinVar:

ClinVar aggregate classification (germline): Likely benign (0 of 4 stars; one submission).

Conditions:
IFT172-related disorder. Also called: IFT172-related condition; IFT172-related disorders.

gnomAD v4.1: 9 of 1,613,988 alleles (0.00056%); highest among the groups gnomAD compares: East Asian, 0.0045%; no homozygotes.

Submission:

PreventionGenetics, part of Exact Sciences
Classification: Likely benign for IFT172-related condition. Last evaluated: 2022-06-08. Review status: no assertion criteria provided. Collection method: clinical testing. Allele origin: germline.
Comment: This variant is classified as likely benign based on ACMG/AMP sequence variant interpretation guidelines (Richards et al. 2015 PMID: 25741868, with internal and published modifications).

NM_015662.3(IFT172):c.4821C>T (p.Ile1607=)

Genes: IFT172 (intraflagellar transport 172; minus strand), KRTCAP3 (keratinocyte associated protein 3; plus strand). Cytogenetic location: 2p23.3.
Variant type: single nucleotide variant.
Coding change: c.4821C>T on transcript NM_015662.3 (MANE Select); coding-DNA position 4821, C replaced by T.
Protein change: p.Ile1607=; no amino-acid change (isoleucine 1607 retained).
Molecular consequence: synonymous variant. On other transcripts: intron variant (1).
Genome position (GRCh38, 1-based): chr2:27,445,838, G>A on the plus strand (C>T on the coding strand, the complement: IFT172 is on the minus strand). VCF-style: chr2-27445838-G-A. GRCh37 (hg19) VCF-style: chr2-27668705-G-A.
Other names: c.4755C>T, p.Ile1585= (NM_001410739.1); c.*6-463G>A (NM_001168364.2).
Identifiers: ClinVar variation 3353807 (VCV003353807.1).